The following is an entry in ClinVar:

NM_080680.3(COL11A2):c.4036G>A (p.Ala1346Thr)

Gene: COL11A2 (collagen type XI alpha 2 chain; minus strand). Cytogenetic location: 6p21.32.
Variant type: single nucleotide variant.
Coding change: c.4036G>A on transcript NM_080680.3 (MANE Select); coding-DNA position 4036, G replaced by A.
Protein change: p.Ala1346Thr; replaces alanine 1346 with threonine.
Molecular consequence: missense variant.
Genome position (GRCh38, 1-based): chr6:33,167,512, C>T on the plus strand (G>A on the coding strand, the complement: COL11A2 is on the minus strand). VCF-style: chr6-33167512-C-T. GRCh37 (hg19) VCF-style: chr6-33135289-C-T.
Other names: c.3856G>A, p.Ala1286Thr (NM_001424108.1); c.3190G>A, p.Ala1064Thr (NM_001424109.1); c.3010G>A, p.Ala1004Thr (NM_001424110.1, NM_001424111.1); c.1990G>A, p.Ala664Thr (NM_001424112.1); c.3715G>A, p.Ala1239Thr (NM_080679.3); c.3778G>A, p.Ala1260Thr (NM_080681.3); short protein forms A1004T, A1064T, A1239T, A1260T, A1286T, A1346T, A664T.
Identifiers: ClinVar variation 3776474 (VCV003776474.1).

ClinVar aggregate classification (germline): Uncertain significance (1 of 4 stars; one submission).

Submission:

GeneDx
Classification: Uncertain significance. Last evaluated: 2024-10-03. Review status: criteria provided, single submitter. Criteria: GeneDx Variant Classification Process June 2021. Collection method: clinical testing. Allele origin: germline. Affected: yes.
Comment: Not observed at significant frequency in large population cohorts (gnomAD); In silico analysis indicates that this missense variant does not alter protein structure/function; Has not been previously published as pathogenic or benign to our knowledge